The following is an entry in ClinVar:

ClinVar aggregate classification (germline): Likely benign. Review status: criteria provided, single submitter (1 of 4 stars). 2 submissions from 2 submitters: Likely benign (1). 1 of the submissions does not count toward it. Last evaluated 2024-07-03.

Conditions:
RFT1-related disorder. Also called: RFT1-related condition.
RFT1-congenital disorder of glycosylation (CDG1N). Also called: CDG In; Congenital disorder of glycosylation type In; RFT1-CDG. Identifiers: Orphanet 244310, MedGen C2677590, MONDO:0012783, OMIM 612015.

Submissions (2):

Labcorp Genetics (formerly Invitae), Labcorp
Classification: Likely benign for RFT1-congenital disorder of glycosylation. Last evaluated: 2024-07-03. Review status: criteria provided, single submitter. Criteria: Invitae Variant Classification Sherloc (09022015). Collection method: clinical testing. Allele origin: germline.

PreventionGenetics, part of Exact Sciences
Classification: Likely benign for RFT1-related condition. Last evaluated: 2020-03-23. Review status: no assertion criteria provided. Collection method: clinical testing. Allele origin: germline. Not counted in ClinVar's aggregate classification.
Comment: This variant is classified as likely benign based on ACMG/AMP sequence variant interpretation guidelines (Richards et al. 2015 PMID: 25741868, with internal and published modifications).

NM_052859.4(RFT1):c.697-24GTTTT[2]

Gene: RFT1 (RFT1 glycolipid translocator homolog; minus strand). Cytogenetic location: 3p21.1.
Variant type: Microsatellite.
Coding change: c.697-24GTTTT[2] on transcript NM_052859.4 (MANE Select); two copies in a row of the 5-base unit GTTTT starting at c.697-24; the reference has three copies in a row; one copy, 5 bases deleted.
Molecular consequence: intron variant.
Genome position (GRCh38, 1-based): chr3:53,111,918-53,111,922, AAAAC deleted on the plus strand (GTTTT on the coding strand, the reverse complement: RFT1 is on the minus strand); deleting any 5 consecutive bases within chr3:53,111,918-53,111,936 gives the same sequence; the position shown is the placement nearest the transcript's 3' end. VCF-style (leftmost placement, unchanged base first): chr3-53111917-GAAAAC-G. GRCh37 (hg19) VCF-style: chr3-53145933-GAAAAC-G.
Other names: c.697-14_697-10del5 (NM_052859.3).
Identifiers: ClinVar variation 2721897 (VCV002721897.5), dbSNP rs763098152, ClinGen allele CA542928200.